The following is an entry in ClinVar:

NM_001128425.2(MUTYH):c.10C>G (p.Leu4Val)

Genes: MUTYH (mutY DNA glycosylase; minus strand), TOE1 (target of EGR1, exonuclease; plus strand). Cytogenetic location: 1p34.1.
Variant type: single nucleotide variant.
Coding change: c.10C>G on transcript NM_001128425.2 (MANE Plus Clinical); coding-DNA position 10, C replaced by G.
Protein change: p.Leu4Val; replaces leucine 4 with valine.
Molecular consequence: missense variant. On other transcripts: 5 prime UTR variant (8), non-coding transcript variant (3).
Genome position (GRCh38, 1-based): chr1:45,340,245, G>C on the plus strand (C>G on the coding strand, the complement: MUTYH is on the minus strand). VCF-style: chr1-45340245-G-C. GRCh37 (hg19) VCF-style: chr1-45805917-G-C.
Other names: c.-8G>C (NM_025077.4); c.-33C>G (NM_001048171.2); c.10C>G, p.Leu4Val (NM_001293190.2, NM_001407069.1, NM_001407073.1 and 1 more transcripts); c.-245C>G (NM_001293192.2); c.-304C>G (NM_001350650.2); c.-240C>G (NM_001350651.2); c.-49C>G (NM_001407070.1, NM_001407071.1); c.-29C>G (NM_001407072.1); short protein forms L4V.
Identifiers: ClinVar variation 142356 (VCV000142356.5), dbSNP rs587782404, ClinGen allele CA012116.
Genomic context (GRCh38, chr1:45,340,245, plus strand): 5'-CCGCGCCAGGAGACGGACCGCAAGTCCAGCGTACCCACAGACGACTCAGGCGGGAGACGA[G>C]CGGTGTCATGGCCGCCGACAGTGACGATGGCGCAGTTTCAGCTCCCGCAGCTTCCGACGG-3'
Protein context (NP_001121897.1, residues 1-14): MTP[Leu4Val]VSRLSRLWAI

ClinVar aggregate classification (germline): Uncertain significance (1 of 4 stars; one submission).

Conditions:
Hereditary cancer-predisposing syndrome. Also called: Neoplastic Syndromes, Hereditary; Hereditary Cancer Syndrome; Tumor predisposition; Hereditary neoplastic syndrome. Identifiers: Orphanet 140162, MedGen C0027672, MeSH D009386, MONDO:0015356.

Submission:

Ambry Genetics
Classification: Uncertain significance for Hereditary cancer-predisposing syndrome. Last evaluated: 2013-08-22. Review status: criteria provided, single submitter. Criteria: Ambry Autosomal Dominant and X-Linked criteria (10/2015). Collection method: clinical testing. Allele origin: germline. Observed: 1 variant allele.
Comment: Ã¢â‚¬â€¹The p.L4V (also known as c.10C>G) variant is located in coding exon 1 of the MUTYH gene. This variant results from an C to G substitution at nucleotide position 10. The leucine at codon 4 is replaced by valine, an amino acid with highly similar properties. This variant was not reported in population-based cohorts in the following databases: Database of Single Nucleotide Polymorphisms (dbSNP), NHLBI Exome Sequencing Project (ESP) and 1000 Genomes Project. To date, this alteration has been detected with an allele frequency of approximately 0.01% (greater than 6600 alleles tested) in our clinical cohort (includes this individual). Based on protein sequence alignment, this amino acid position is poorly conserved in available vertebrate species. In addition, this alteration is predicted to be tolerated by in silico analysis. Since supporting evidence is limited at this time, the clinical significance of p.L4V remains unclear.